The following is an entry in ClinVar:

NM_001042492.3(NF1):c.3317_3325del (p.Tyr1106_Thr1108del)

Gene: NF1 (neurofibromin 1; plus strand). Cytogenetic location: 17q11.2.
Variant type: Deletion.
Coding change: c.3317_3325del on transcript NM_001042492.3 (MANE Select); coding-DNA positions 3317 to 3325, 9 bases deleted (ACTTCACAT; older notation c.3317_3325delACTTCACAT).
Protein change: p.Tyr1106_Thr1108del.
Molecular consequence: inframe deletion. On other transcripts: inframe indel (1).
Genome position (GRCh38, 1-based): chr17:31,232,702-31,232,710, ACTTCACAT deleted; deleting any 9 consecutive bases within chr17:31,232,700-31,232,710 gives the same sequence; the c. name uses the placement nearest the transcript's 3' end. VCF-style (leftmost placement, unchanged base first): chr17-31232699-GATACTTCAC-G. GRCh37 (hg19) VCF-style: chr17-29559717-GATACTTCAC-G.
Other names: c.3317_3325delACTTCACAT, p.Tyr1106_Thr1108del (NM_000267.4).
Identifiers: ClinVar variation 2694185 (VCV002694185.3), dbSNP rs2508230207, ClinGen allele CA2697559787.

ClinVar aggregate classification (germline): Pathogenic (1 of 4 stars; one submission).

Conditions:
Neurofibromatosis, type 1 (NF1). Also called: Peripheral type neurofibromatosis; VON RECKLINGHAUSEN DISEASE; Neurofibromatosis, type I; NEUROFIBROMATOSIS, TYPE I, SOMATIC. Identifiers: Orphanet 636, MedGen C0027831, MONDO:0018975, OMIM 162200. Disease mechanism: loss of function.

Submission:

Labcorp Genetics (formerly Invitae), Labcorp
Classification: Pathogenic for Neurofibromatosis, type 1. Last evaluated: 2023-11-07. Review status: criteria provided, single submitter. Criteria: Invitae Variant Classification Sherloc (09022015). Collection method: clinical testing. Allele origin: germline.
Comment: This variant, c.3317_3325del, results in the deletion of 3 amino acid(s) of the NF1 protein (p.Tyr1106_Thr1108del), but otherwise preserves the integrity of the reading frame. This variant is not present in population databases (gnomAD no frequency). This variant has not been reported in the literature in individuals affected with NF1-related conditions. Algorithms developed to predict the effect of sequence changes on RNA splicing suggest that this variant may disrupt the consensus splice site. This variant disrupts a region of the NF1 protein in which other variant(s) (p.Tyr1106Cys) have been determined to be pathogenic (Invitae). This suggests that this is a clinically significant region of the protein, and that variants that disrupt it are likely to be disease-causing. For these reasons, this variant has been classified as Pathogenic.